The following is an entry in ClinVar:

ClinVar aggregate classification (germline): Pathogenic (1 of 4 stars; one submission).

Submission:

Labcorp Genetics (formerly Invitae), Labcorp
Classification: Pathogenic. Last evaluated: 2023-01-31. Review status: criteria provided, single submitter. Criteria: Invitae Variant Classification Sherloc (09022015). Collection method: clinical testing. Allele origin: germline.
Comment: For these reasons, this variant has been classified as Pathogenic. This variant has not been reported in the literature in individuals affected with MAK-related conditions. This variant is not present in population databases (gnomAD no frequency). This sequence change creates a premature translational stop signal (p.Ile181Leufs*16) in the MAK gene. It is expected to result in an absent or disrupted protein product. Loss-of-function variants in MAK are known to be pathogenic (PMID: 21148103, 21825139, 24938718, 29781741).

Literature cited by the submitters: PubMed 21148103; PubMed 21825139; PubMed 24938718; PubMed 29781741.

NM_001242957.3(MAK):c.541del (p.Ile181fs)

Gene: MAK (male germ cell associated kinase; minus strand). Cytogenetic location: 6p24.2.
Variant type: Deletion.
Coding change: c.541del on transcript NM_001242957.3 (MANE Select); coding-DNA position 541, one base deleted (A; older notation c.541delA).
Protein change: p.Ile181fs; shifts the reading frame from isoleucine 181.
Molecular consequence: frameshift variant. On other transcripts: non-coding transcript variant (2).
Genome position (GRCh38, 1-based): chr6:10,803,842, T deleted on the plus strand (A on the coding strand, the reverse complement: MAK is on the minus strand). VCF-style (leftmost placement, unchanged base first): chr6-10803841-AT-A. GRCh37 (hg19) VCF-style: chr6-10804074-AT-A.
Other names: c.541del, p.Ile181fs (NM_001242385.2, NM_005906.6); c.439del, p.Ile147fs (NM_001377262.1); short protein forms I147fs, I181fs.
Identifiers: ClinVar variation 2833161 (VCV002833161.3), dbSNP rs2532482884, ClinGen allele CA2739272843.